The following is an entry in ClinVar:

NM_015443.4(KANSL1):c.2890C>T (p.Pro964Ser)

Gene: KANSL1 (KAT8 regulatory NSL complex subunit 1). Cytogenetic location: 17q21.31.
Variant type: single nucleotide variant.
Coding change: c.2890C>T on transcript NM_015443.4 (MANE Select); coding-DNA position 2890, C replaced by T.
Protein change: p.Pro964Ser; replaces proline 964 with serine.
Molecular consequence: missense variant. On other transcripts: intron variant (4).
Genome position (GRCh38, 1-based): chr17:46,032,247, G>A on the plus strand (C>T on the coding strand, the complement: KANSL1 is on the minus strand). VCF-style: chr17-46032247-G-A. GRCh37 (hg19) VCF-style: chr17-44109613-G-A.
Other names: c.2890C>T, p.Pro964Ser (NM_001405855.1, NM_001193466.2, NM_001379198.1 and 1 more transcripts); c.2887C>T, p.Pro963Ser (NM_001405856.1, NM_001405857.1, NM_001405858.1 and 1 more transcripts); c.2788C>T, p.Pro930Ser (NM_001405859.1, NM_001405860.1); c.2785C>T, p.Pro929Ser (NM_001405861.1); c.2701C>T, p.Pro901Ser (NM_001405875.1, NM_001405876.1, NM_001405877.1 and 1 more transcripts); c.2698C>T, p.Pro900Ser (NM_001405879.1, NM_001405880.1); c.1624C>T, p.Pro542Ser (NM_001405882.1); c.1621C>T, p.Pro541Ser (NM_001405883.1); and 4 more; short protein forms P478S, P901S, P542S, P964S, P479S, P541S, P929S, P930S.
Identifiers: ClinVar variation 2896683 (VCV002896683.3), dbSNP rs2077031570, ClinGen allele CA399987250.

ClinVar aggregate classification (germline): Uncertain significance (1 of 4 stars; one submission).

Conditions:
Koolen-de Vries syndrome (KDVS). Identifiers: Orphanet 96169, MedGen C1864871, MONDO:0012496, OMIM 610443.

Allele frequency attached by ClinVar (database versions not stated): TOPMed below 0.00001; gnomAD 0.00001.

Submission:

Labcorp Genetics (formerly Invitae), Labcorp
Classification: Uncertain significance for Koolen-de Vries syndrome. Last evaluated: 2023-08-07. Review status: criteria provided, single submitter. Criteria: Invitae Variant Classification Sherloc (09022015). Collection method: clinical testing. Allele origin: germline.
Comment: This variant has not been reported in the literature in individuals affected with KANSL1-related conditions. Advanced modeling of protein sequence and biophysical properties (such as structural, functional, and spatial information, amino acid conservation, physicochemical variation, residue mobility, and thermodynamic stability) performed at Invitae indicates that this missense variant is not expected to disrupt KANSL1 protein function. In summary, the available evidence is currently insufficient to determine the role of this variant in disease. Therefore, it has been classified as a Variant of Uncertain Significance. This variant is not present in population databases (gnomAD no frequency). This sequence change replaces proline, which is neutral and non-polar, with serine, which is neutral and polar, at codon 964 of the KANSL1 protein (p.Pro964Ser).